The following is an entry in ClinVar:

NM_031308.4(EPPK1):c.944C>T (p.Ala315Val)

Gene: EPPK1 (epiplakin 1; minus strand). Cytogenetic location: 8q24.3.
Variant type: single nucleotide variant.
Coding change: c.944C>T on transcript NM_031308.4 (MANE Select); coding-DNA position 944, C replaced by T.
Protein change: p.Ala315Val; replaces alanine 315 with valine.
Molecular consequence: missense variant.
Genome position (GRCh38, 1-based): chr8:143,872,310, G>A on the plus strand (C>T on the coding strand, the complement: EPPK1 is on the minus strand). VCF-style: chr8-143872310-G-A. GRCh37 (hg19) VCF-style: chr8-144946478-G-A.
Other names: short protein forms A315V.
Identifiers: ClinVar variation 3051747 (VCV003051747.2), dbSNP rs199602447, ClinGen allele CA4923493.

ClinVar aggregate classification (germline): Benign (0 of 4 stars; one submission).

Conditions:
EPPK1-related disorder. Also called: EPPK1-related condition.

Allele frequency attached by ClinVar (database versions not stated): ESP Exome Variant Server 0.00016; gnomAD 0.00020; gnomAD exomes 0.00028; TOPMed 0.00057; ExAC 0.00120.

Submission:

PreventionGenetics, part of Exact Sciences
Classification: Benign for EPPK1-related condition. Last evaluated: 2021-10-01. Review status: no assertion criteria provided. Collection method: clinical testing. Allele origin: germline.
Comment: This variant is classified as benign based on ACMG/AMP sequence variant interpretation guidelines (Richards et al. 2015 PMID: 25741868, with internal and published modifications).